The following is an entry in ClinVar:

ClinVar aggregate classification (germline): Pathogenic/Likely pathogenic. Review status: criteria provided, multiple submitters, no conflicts (2 of 4 stars). 5 submissions from 5 submitters: Pathogenic (4); Likely pathogenic (1). Last evaluated 2024-12-18.

Conditions:
Hereditary cancer-predisposing syndrome. Also called: Neoplastic Syndromes, Hereditary; Hereditary Cancer Syndrome; Tumor predisposition; Hereditary neoplastic syndrome. Identifiers: Orphanet 140162, MedGen C0027672, MeSH D009386, MONDO:0015356.
Ataxia-telangiectasia syndrome (AT). Also called: LOUIS-BAR SYNDROME; Cerebello-oculocutaneous telangiectasia; Immunodeficiency with ataxia telangiectasia; Ataxia-telangiectasia, complementation group D; AT, COMPLEMENTATION GROUP C; Ataxia-telangiectasia, complementation group E. Identifiers: Orphanet 100, MedGen C0004135, MONDO:0008840, OMIM 208900.
Familial cancer of breast. Also called: Hereditary breast cancer; BREAST CANCER, FAMILIAL; hereditary breast carcinoma. Identifiers: Orphanet 227535, MedGen C0346153, MONDO:0016419, OMIM 114480. Disease mechanism: loss of function.

Submissions (5):

Genomic Medicine Center of Excellence, King Faisal Specialist Hospital and Research Centre
Classification: Likely pathogenic for Ataxia-telangiectasia syndrome. Last evaluated: 2024-12-18. Review status: criteria provided, single submitter. Criteria: ACMG Guidelines, 2015. Collection method: clinical testing. Allele origin: germline.

Revvity Omics, Revvity
Classification: Pathogenic for Ataxia-telangiectasia syndrome. Last evaluated: 2024-05-08. Review status: criteria provided, single submitter. Criteria: ACMG Guidelines, 2015. Collection method: clinical testing. Allele origin: germline.

Ambry Genetics
Classification: Pathogenic for Hereditary cancer-predisposing syndrome. Last evaluated: 2024-02-14. Review status: criteria provided, single submitter. Criteria: Ambry Variant Classification Scheme 2023. Collection method: clinical testing. Allele origin: germline.
Comment: The p.Q1982* pathogenic mutation (also known as c.5944C>T), located in coding exon 39 of the ATM gene, results from a C to T substitution at nucleotide position 5944. This changes the amino acid from a glutamine to a stop codon within coding exon 39. This variant is considered to be rare based on population cohorts in the Genome Aggregation Database (gnomAD). This variant has been identified in the homozygous state in an individual diagnosed with Ataxia telangiectasia (Alonazi NA et al. Neurosciences (Riyadh), 2018 Apr;23:162-164). This alteration is expected to result in loss of function by premature protein truncation or nonsense-mediated mRNA decay. As such, this alteration is interpreted as a disease-causing mutation.

Baylor Genetics
Classification: Pathogenic for Familial cancer of breast. Last evaluated: 2023-08-30. Review status: criteria provided, single submitter. Criteria: ACMG Guidelines, 2015. Collection method: clinical testing. Allele origin: unknown.

Labcorp Genetics (formerly Invitae), Labcorp
Classification: Pathogenic for Ataxia-telangiectasia syndrome. Last evaluated: 2022-08-16. Review status: criteria provided, single submitter. Criteria: Invitae Variant Classification Sherloc (09022015). Collection method: clinical testing. Allele origin: germline.
Comment: For these reasons, this variant has been classified as Pathogenic. Algorithms developed to predict the effect of sequence changes on RNA splicing suggest that this variant may disrupt the consensus splice site. ClinVar contains an entry for this variant (Variation ID: 453605). This premature translational stop signal has been observed in individual(s) with ataxia telangiectasia (PMID: 29664460). This variant is not present in population databases (gnomAD no frequency). This sequence change creates a premature translational stop signal (p.Gln1982*) in the ATM gene. It is expected to result in an absent or disrupted protein product. Loss-of-function variants in ATM are known to be pathogenic (PMID: 23807571, 25614872).

Literature cited by the submitters: PubMed 29664460 (cited by Ambry Genetics and Labcorp Genetics (formerly Invitae), Labcorp); PubMed 23807571 (cited by Labcorp Genetics (formerly Invitae), Labcorp); PubMed 25614872 (cited by Labcorp Genetics (formerly Invitae), Labcorp).

NM_000051.4(ATM):c.5944C>T (p.Gln1982Ter)

Genes: ATM (ATM serine/threonine kinase; plus strand), C11orf65 (chromosome 11 open reading frame 65; minus strand). Cytogenetic location: 11q22.3.
Variant type: single nucleotide variant.
Coding change: c.5944C>T on transcript NM_000051.4 (MANE Select); coding-DNA position 5944, C replaced by T.
Protein change: p.Gln1982Ter; replaces glutamine 1982 with a stop codon.
Molecular consequence: nonsense. On other transcripts: intron variant (2).
Genome position (GRCh38, 1-based): chr11:108,312,436, C>T. VCF-style: chr11-108312436-C-T. GRCh37 (hg19) VCF-style: chr11-108183163-C-T.
Other names: c.5944C>T, p.Gln1982Ter (NM_001351834.2); c.641-3365G>A (NM_001330368.2); c.*39-3365G>A (NM_001351110.2); short protein forms Q1982*.
Identifiers: ClinVar variation 453605 (VCV000453605.16), dbSNP rs1555111775, ClinGen allele CA382548683.